The following is an entry in ClinVar:

ClinVar aggregate classification (germline): Uncertain significance. Review status: criteria provided, multiple submitters, no conflicts (2 of 4 stars). 2 submissions from 2 submitters: Uncertain significance (2). Last evaluated 2025-01-17.

Conditions:
Inborn genetic diseases. Identifiers: MedGen C0950123, MeSH D030342.

gnomAD v4.1: 3 of 1,552,056 alleles (0.00019%); highest among the groups gnomAD compares: African/African-American, 0.0041%; no homozygotes.

Submissions (2):

Ambry Genetics
Classification: Uncertain significance for Inborn genetic diseases. Last evaluated: 2025-01-17. Review status: criteria provided, single submitter. Criteria: Ambry Variant Classification Scheme 2023. Collection method: clinical testing. Allele origin: germline.

Labcorp Genetics (formerly Invitae), Labcorp
Classification: Uncertain significance. Last evaluated: 2022-07-30. Review status: criteria provided, single submitter. Criteria: Invitae Variant Classification Sherloc (09022015). Collection method: clinical testing. Allele origin: germline.
Comment: In summary, the available evidence is currently insufficient to determine the role of this variant in disease. Therefore, it has been classified as a Variant of Uncertain Significance. Algorithms developed to predict the effect of missense changes on protein structure and function (SIFT, PolyPhen-2, Align-GVGD) all suggest that this variant is likely to be tolerated. This variant has not been reported in the literature in individuals affected with NDUFA13-related conditions. This variant is present in population databases (no rsID available, gnomAD 0.01%). This sequence change replaces glutamine, which is neutral and polar, with glutamic acid, which is acidic and polar, at codon 85 of the NDUFA13 protein (p.Gln85Glu).

NM_015965.7(NDUFA13):c.253C>G (p.Gln85Glu)

Gene: NDUFA13 (NADH:ubiquinone oxidoreductase subunit A13; plus strand). Cytogenetic location: 19p13.11.
Variant type: single nucleotide variant.
Coding change: c.253C>G on transcript NM_015965.7 (MANE Select); coding-DNA position 253, C replaced by G.
Protein change: p.Gln85Glu; replaces glutamine 85 with glutamic acid.
Molecular consequence: missense variant.
Genome position (GRCh38, 1-based): chr19:19,527,708, C>G. VCF-style: chr19-19527708-C-G. GRCh37 (hg19) VCF-style: chr19-19638517-C-G.
Other names: c.253C>G (NM_015965.6); short protein forms Q85E.
Identifiers: ClinVar variation 1950211 (VCV001950211.6), dbSNP rs1052574171, ClinGen allele CA306316368.